The following is an entry in ClinVar:

ClinVar aggregate classification (germline): Uncertain significance (1 of 4 stars; one submission).

Submission:

Labcorp Genetics (formerly Invitae), Labcorp
Classification: Uncertain significance. Last evaluated: 2023-07-21. Review status: criteria provided, single submitter. Criteria: Invitae Variant Classification Sherloc (09022015). Collection method: clinical testing. Allele origin: germline.
Comment: An algorithm developed to predict the effect of missense changes on protein structure and function (PolyPhen-2) suggests that this variant is likely to be disruptive. In summary, the available evidence is currently insufficient to determine the role of this variant in disease. Therefore, it has been classified as a Variant of Uncertain Significance. ClinVar contains an entry for this variant (Variation ID: 1022149). This variant has not been reported in the literature in individuals affected with PCARE-related conditions. This variant is not present in population databases (gnomAD no frequency). This sequence change replaces aspartic acid, which is acidic and polar, with valine, which is neutral and non-polar, at codon 457 of the PCARE protein (p.Asp457Val).

NM_001029883.3(PCARE):c.1370A>T (p.Asp457Val)

Gene: PCARE (photoreceptor cilium actin regulator; minus strand). Cytogenetic location: 2p23.2.
Variant type: single nucleotide variant.
Coding change: c.1370A>T on transcript NM_001029883.3 (MANE Select); coding-DNA position 1370, A replaced by T.
Protein change: p.Asp457Val; replaces aspartic acid 457 with valine.
Molecular consequence: missense variant.
Genome position (GRCh38, 1-based): chr2:29,072,892, T>A on the plus strand (A>T on the coding strand, the complement: PCARE is on the minus strand). VCF-style: chr2-29072892-T-A. GRCh37 (hg19) VCF-style: chr2-29295758-T-A.
Other names: short protein forms D457V.
Identifiers: ClinVar variation 1022149 (VCV001022149.8), dbSNP rs1667517673, ClinGen allele CA346480333.